The following is an entry in ClinVar:

NM_001018115.3(FANCD2):c.1555G>C (p.Asp519His)

Genes: FANCD2 (FA complementation group D2; plus strand), LOC107303338 (3p25 FANCD2 Alu-mediated recombination region; plus strand). Cytogenetic location: 3p25.3.
Variant type: single nucleotide variant.
Coding change: c.1555G>C on transcript NM_001018115.3 (MANE Select); coding-DNA position 1555, G replaced by C.
Protein change: p.Asp519His; replaces aspartic acid 519 with histidine.
Molecular consequence: missense variant. On other transcripts: intron variant (1).
Genome position (GRCh38, 1-based): chr3:10,052,396, G>C. VCF-style: chr3-10052396-G-C. GRCh37 (hg19) VCF-style: chr3-10094080-G-C.
Other names: c.1555G>C, p.Asp519His (NM_001319984.2, NM_001374254.1, NM_033084.6); c.1545+2891G>C (NM_001374253.1); c.1555G>C (NM_033084.4); short protein forms D519H.
Identifiers: ClinVar variation 2711421 (VCV002711421.4), dbSNP rs780491203, ClinGen allele CA2249713.

ClinVar aggregate classification (germline): Uncertain significance. Review status: criteria provided, multiple submitters, no conflicts (2 of 4 stars). 2 submissions from 2 submitters: Uncertain significance (2). Last evaluated 2024-05-27.

Conditions:
Fanconi anemia (FA). Also called: Fanconi's anemia. Identifiers: Orphanet 84, MedGen C0015625, MeSH D005199, MONDO:0019391.
Fanconi anemia complementation group D2. Also called: FANCONI ANEMIA, COMPLEMENTATION GROUP D; FANCD2-Related Fanconi Anemia; FANCONI PANCYTOPENIA, TYPE 4. Identifiers: Orphanet 84, MedGen C3160738, MONDO:0009214, OMIM 227646.

Allele frequency attached by ClinVar (database versions not stated): gnomAD exomes below 0.00001; ExAC 0.00001.
gnomAD v4.1: 1 of 1,607,766 alleles (0.000062%); highest among the groups gnomAD compares: South Asian, 0.0011%; no homozygotes.

Submissions (2):

Fulgent Genetics
Classification: Uncertain significance for Fanconi anemia complementation group D2. Last evaluated: 2024-05-27. Review status: criteria provided, single submitter. Criteria: ACMG Guidelines, 2015. Collection method: clinical testing. Allele origin: germline.

Labcorp Genetics (formerly Invitae), Labcorp
Classification: Uncertain significance for Fanconi anemia. Last evaluated: 2023-06-11. Review status: criteria provided, single submitter. Criteria: Invitae Variant Classification Sherloc (09022015). Collection method: clinical testing. Allele origin: germline.
Comment: In summary, the available evidence is currently insufficient to determine the role of this variant in disease. Therefore, it has been classified as a Variant of Uncertain Significance. Advanced modeling of protein sequence and biophysical properties (such as structural, functional, and spatial information, amino acid conservation, physicochemical variation, residue mobility, and thermodynamic stability) performed at Invitae indicates that this missense variant is expected to disrupt FANCD2 protein function. This variant has not been reported in the literature in individuals affected with FANCD2-related conditions. This variant is present in population databases (rs780491203, gnomAD 0.003%). This sequence change replaces aspartic acid, which is acidic and polar, with histidine, which is basic and polar, at codon 519 of the FANCD2 protein (p.Asp519His).